The following is an entry in ClinVar:

NM_001384474.1(LOXHD1):c.3521_3522delinsGA (p.Ser1174Ter)

Gene: LOXHD1 (lipoxygenase homology PLAT domains 1; minus strand). Cytogenetic location: 18q21.1.
Variant type: Indel.
Coding change: c.3521_3522delinsGA on transcript NM_001384474.1 (MANE Select); coding-DNA positions 3521 to 3522, CT replaced by GA.
Protein change: p.Ser1174Ter; replaces serine 1174 with a stop codon.
Molecular consequence: nonsense. On other transcripts: 5 prime UTR variant (1).
Genome position (GRCh38, 1-based): chr18:46,545,414-46,545,415, AG replaced by TC on the plus strand (CT replaced by GA on the coding strand, the reverse complement: LOXHD1 is on the minus strand). VCF-style: chr18-46545414-AG-TC. GRCh37 (hg19) VCF-style: chr18-44125377-AG-TC.
Other names: c.188_189delinsGA, p.Ser63Ter (NM_001145472.3); c.-101_-100delinsGA (NM_001308013.2); c.3521_3522delinsGA, p.Ser1174Ter (NM_144612.7); short protein forms S63*, S1174*.
Identifiers: ClinVar variation 2797033 (VCV002797033.3), dbSNP rs2511735833, ClinGen allele CA2739268708.
Genomic context (GRCh38, chr18:46,545,414, plus strand): 5'-ATTAGCATCTGTGCCCGCATTCTTCTTAACCCCAGTCTTTATGGTCACTGAGAATGTGGT[AG>TC]ATTTATCTGCCAAGAGAATAGTATAGAGCAATGAATTGTAGACTGTTCCTTTCATGAAAG-3'

ClinVar aggregate classification (germline): Pathogenic (1 of 4 stars; one submission).

Submission:

Labcorp Genetics (formerly Invitae), Labcorp
Classification: Pathogenic. Last evaluated: 2022-10-28. Review status: criteria provided, single submitter. Criteria: Invitae Variant Classification Sherloc (09022015). Collection method: clinical testing. Allele origin: germline.
Comment: For these reasons, this variant has been classified as Pathogenic. This variant has not been reported in the literature in individuals affected with LOXHD1-related conditions. Information on the frequency of this variant in the gnomAD database is not available, as this variant may be reported differently in the database. This sequence change creates a premature translational stop signal (p.Ser1174*) in the LOXHD1 gene. It is expected to result in an absent or disrupted protein product. Loss-of-function variants in LOXHD1 are known to be pathogenic (PMID: 19732867, 21465660, 25792669).

Literature cited by the submitters: PubMed 19732867; PubMed 21465660; PubMed 25792669.